The following is an entry in ClinVar:

NM_005359.6(SMAD4):c.667+2_667+3insCAGCCTGCCAGTATACTGGGGGGCAGCCATAGTGAAG

Gene: SMAD4 (SMAD family member 4; plus strand). Cytogenetic location: 18q21.2.
Variant type: Insertion.
Coding change: c.667+2_667+3insCAGCCTGCCAGTATACTGGGGGGCAGCCATAGTGAAG on transcript NM_005359.6 (MANE Select); the canonical splice donor site of the intron after coding-DNA position 667 through 3 bases into the intron after coding-DNA position 667, CAGCCTGCCAGTATACTGGGGGGCAGCCATAGTGAAG inserted.
Molecular consequence: intron variant.
Genome position: GRCh38: chr18:51,054,995-51,054,996. GRCh37 (hg19): chr18:48,581,365-48,581,366.
Other names: c.667+2_667+3insCAGCCTGCCAGTATACTGGGGGGCAGCCATAGTGAAG (NM_001407042.1, NM_001407041.1, NM_001407043.1).
Identifiers: ClinVar variation 3072842 (VCV003072842.2), dbSNP rs760777245, ClinGen allele CA8965846.
Genomic context (GRCh38, chr18:51,054,995, plus strand): 5'-ATCTGAGTCTAATGCTACCAGCACTGCCAACTTTCCCAACATTCCTGTGGCTTCCACAAG[T>TCAGCCTGCCAGTATACTGGGGGGCAGCCATAGTGAAG]GAGTTCTAGAATCAGATGTAGTCAGCAAGTTGAGTTTTCCTAATCATTGCTTATTTATGT-3'

ClinVar aggregate classification (germline): Uncertain significance (1 of 4 stars; one submission).

Conditions:
Juvenile polyposis/hereditary hemorrhagic telangiectasia syndrome (JPHT). Also called: Juvenile Polyposis Syndrome / Hereditary Hemorrhagic Telangiectasia (JPS/HHT); JP/HHT SYNDROME; JUVENILE POLYPOSIS WITH HEREDITARY HEMORRHAGIC TELANGIECTASIA; POLYPOSIS, GENERALIZED JUVENILE, WITH PULMONARY ARTERIOVENOUS MALFORMATION; TELANGIECTASIA, HEREDITARY HEMORRHAGIC, WITH JUVENILE POLYPOSIS COLI. Identifiers: Orphanet 2929, MedGen C1832942, MONDO:0008278, OMIM 175050.

Submission:

All of Us Research Program, National Institutes of Health
Classification: Uncertain significance for Juvenile polyposis/hereditary hemorrhagic telangiectasia syndrome. Last evaluated: 2024-08-06. Review status: criteria provided, single submitter. Criteria: ACMG Guidelines, 2015. Collection method: clinical testing. Allele origin: germline. Inheritance: Autosomal dominant inheritance. Observed: 3 variant alleles, 3 heterozygotes.
Comment: This study involves interpretation of variants in research participants for the purpose of population health screening. Participant phenotype was not available at the time of variant classification. Additional details can be found in publication PMID: 35346344, PMCID: PMC8962531